The following is an entry in ClinVar:

NM_182914.3(SYNE2):c.6919A>G (p.Lys2307Glu)

Gene: SYNE2 (spectrin repeat containing nuclear envelope protein 2; plus strand). Cytogenetic location: 14q23.2.
Variant type: single nucleotide variant.
Coding change: c.6919A>G on transcript NM_182914.3 (MANE Select); coding-DNA position 6919, A replaced by G.
Protein change: p.Lys2307Glu; replaces lysine 2307 with glutamic acid.
Molecular consequence: missense variant.
Genome position (GRCh38, 1-based): chr14:64,031,055, A>G. VCF-style: chr14-64031055-A-G. GRCh37 (hg19) VCF-style: chr14-64497773-A-G.
Other names: c.6919A>G, p.Lys2307Glu (NM_015180.6); short protein forms K2307E.
Identifiers: ClinVar variation 3902391 (VCV003902391.1).

ClinVar aggregate classification (germline): Uncertain significance (1 of 4 stars; one submission).

gnomAD v4.1: 1 of 1,614,068 alleles (0.000062%); highest among the groups gnomAD compares: Non-Finnish European, 0.000085%; no homozygotes.

Submission:

Women's Health and Genetics/Laboratory Corporation of America, LabCorp
Classification: Uncertain significance. Last evaluated: 2025-05-08. Review status: criteria provided, single submitter. Criteria: LabCorp Variant Classification Summary - May 2015. Collection method: clinical testing. Allele origin: germline.
Comment: Variant summary: SYNE2 c.6919A>G (p.Lys2307Glu) results in a conservative amino acid change in the encoded protein sequence. Algorithms developed to predict the effect of missense changes on protein structure and function all suggest that this variant is likely to be tolerated. The variant was absent in 249252 control chromosomes. The available data on variant occurrences in the general population are insufficient to allow any conclusion about variant significance. To our knowledge, no occurrence of c.6919A>G in individuals affected with Emery-Dreifuss muscular dystrophy 5, autosomal dominant and no experimental evidence demonstrating its impact on protein function have been reported. No submitters have cited clinical-significance assessments for this variant to ClinVar. Based on the evidence outlined above, the variant was classified as uncertain significance.